The following is an entry in ClinVar:

ClinVar aggregate classification (germline): Uncertain significance (1 of 4 stars; one submission).

gnomAD v4.1: 3 of 1,614,058 alleles (0.00019%); highest among the groups gnomAD compares: Non-Finnish European, 0.00017%; no homozygotes.

Submission:

Labcorp Genetics (formerly Invitae), Labcorp
Classification: Uncertain significance. Last evaluated: 2025-11-03. Review status: criteria provided, single submitter. Criteria: Invitae Variant Classification Sherloc (09022015). Collection method: clinical testing. Allele origin: germline.
Comment: This sequence change replaces glycine, which is neutral and non-polar, with aspartic acid, which is acidic and polar, at codon 752 of the PLG protein (p.Gly752Asp). This variant is not present in population databases (gnomAD no frequency). This variant has not been reported in the literature in individuals affected with PLG-related conditions. Invitae Evidence Modeling of protein sequence and biophysical properties (such as structural, functional, and spatial information, amino acid conservation, physicochemical variation, residue mobility, and thermodynamic stability) indicates that this missense variant is not expected to disrupt PLG protein function with a negative predictive value of 80%. In summary, the available evidence is currently insufficient to determine the role of this variant in disease. Therefore, it has been classified as a Variant of Uncertain Significance.

NM_000301.5(PLG):c.2255G>A (p.Gly752Asp)

Gene: PLG (plasminogen; plus strand). Cytogenetic location: 6q26.
Variant type: single nucleotide variant.
Coding change: c.2255G>A on transcript NM_000301.5 (MANE Select); coding-DNA position 2255, G replaced by A.
Protein change: p.Gly752Asp; replaces glycine 752 with aspartic acid.
Molecular consequence: missense variant.
Genome position (GRCh38, 1-based): chr6:160,752,244, G>A. VCF-style: chr6-160752244-G-A. GRCh37 (hg19) VCF-style: chr6-161173276-G-A.
Other names: short protein forms G752D.
Identifiers: ClinVar variation 4766091 (VCV004766091.1).